The following is an entry in ClinVar:

ClinVar aggregate classification (germline): Pathogenic/Likely pathogenic. Review status: criteria provided, multiple submitters, no conflicts (2 of 4 stars). 6 submissions from 6 submitters: Pathogenic (4); Likely pathogenic (2). Last evaluated 2025-09-15.

Conditions:
Long QT syndrome (LQTS). Identifiers: MedGen C0023976, MeSH D008133, MONDO:0002442. Disease mechanism: loss of function. Inheritance: Various modes of inheritance.
KCNH2-related disorder. Also called: KCNH2-related condition; KCNH2-related disorders.
Cardiovascular phenotype. Identifiers: MedGen CN230736.
Cardiac arrhythmia. Also called: Cardiac rhythm disease; Arrhythmia. Identifiers: MedGen C0003811, MONDO:0007263, HP:0011675.

Submissions (6):

Labcorp Genetics (formerly Invitae), Labcorp
Classification: Pathogenic for Long QT syndrome. Last evaluated: 2025-09-15. Review status: criteria provided, single submitter. Criteria: Invitae Variant Classification Sherloc (09022015). Collection method: clinical testing. Allele origin: germline.
Comment: This sequence change creates a premature translational stop signal (p.Pro926Argfs*48) in the KCNH2 gene. It is expected to result in an absent or disrupted protein product. Loss-of-function variants in KCNH2 are known to be pathogenic (PMID: 10973849, 19862833). The frequency data for this variant in the population databases is considered unreliable, as metrics indicate poor data quality at this position in the gnomAD database. This variant has not been reported in the literature in individuals affected with KCNH2-related conditions. ClinVar contains an entry for this variant (Variation ID: 1074305). For these reasons, this variant has been classified as Pathogenic.

GeneDx
Classification: Likely pathogenic. Last evaluated: 2024-11-27. Review status: criteria provided, single submitter. Criteria: GeneDx Variant Classification Process June 2021. Collection method: clinical testing. Allele origin: germline. Affected: yes.
Comment: Identified in association with LQTS in individuals referred for genetic testing at GeneDx and in published literature (PMID: 16414944, 37324772, 36861347); Frameshift variant predicted to result in protein truncation or nonsense mediated decay in a gene for which loss of function is a known mechanism of disease; This variant is associated with the following publications: (PMID: 39073097, 36861347, 37324772, 32893267, 16414944, 33087929)

Ambry Genetics
Classification: Pathogenic for Cardiovascular phenotype. Last evaluated: 2023-09-20. Review status: criteria provided, single submitter. Criteria: Ambry Variant Classification Scheme 2023. Collection method: clinical testing. Allele origin: germline.
Comment: The c.2775delG pathogenic mutation, located in coding exon 12 of the KCNH2 gene, results from a deletion of one nucleotide at nucleotide position 2775, causing a translational frameshift with a predicted alternate stop codon (p.P926Rfs*48). This variant has been detected in a long QT syndrome cohort (Napolitano C et al. JAMA, 2005 Dec;294:2975-80). This alteration is expected to result in loss of function by premature protein truncation or nonsense-mediated mRNA decay. As such, this alteration is interpreted as a disease-causing mutation.

All of Us Research Program, National Institutes of Health
Classification: Pathogenic for Long QT syndrome. Last evaluated: 2023-08-23. Review status: criteria provided, single submitter. Criteria: ACMG Guidelines, 2015. Collection method: clinical testing. Allele origin: germline. Inheritance: Autosomal dominant inheritance. Observed: 1 variant allele, 1 heterozygote.
Comment: This variant deletes 1 nucleotide in exon 12 of the KCNH2 gene, creating a frameshift and premature translation stop signal. This variant is expected to result in an absent or non-functional protein product. This variant has been reported in individual(s) affected with long QT syndrome (PMID: 16414944, 32893267). This variant has been identified in 3/127658 chromosomes in the general population by the Genome Aggregation Database (gnomAD). Loss of KCNH2 function is a known mechanism of disease. Based on the available evidence, this variant is classified as Pathogenic.

This study involves interpretation of variants in research participants for the purpose of population health screening. Participant phenotype was not available at the time of variant classification. Additional details can be found in publication PMID: 35346344, PMCID: PMC8962531

Color Diagnostics, LLC DBA Color Health
Classification: Pathogenic for Cardiac arrhythmia. Last evaluated: 2023-06-29. Review status: criteria provided, single submitter. Criteria: ACMG Guidelines, 2015. Collection method: clinical testing. Allele origin: germline.
Comment: This variant deletes 1 nucleotide in exon 12 of the KCNH2 gene, creating a frameshift and premature translation stop signal. This variant is expected to result in an absent or non-functional protein product. This variant has been reported in individual(s) affected with long QT syndrome (PMID: 16414944, 32893267). This variant has been identified in 3/127658 chromosomes in the general population by the Genome Aggregation Database (gnomAD). Loss of KCNH2 function is a known mechanism of disease. Based on the available evidence, this variant is classified as Pathogenic.

Blueprint Genetics
Classification: Likely pathogenic for KCNH2-related disorders. Last evaluated: 2017-10-11. Review status: criteria provided, single submitter. Criteria: ACMG Guidelines, 2015. Collection method: clinical testing. Allele origin: germline. Affected: yes. Observed: 1 variant allele.

Literature cited by the submitters: PubMed 10973849 (cited by Labcorp Genetics (formerly Invitae), Labcorp); PubMed 19862833 (cited by Labcorp Genetics (formerly Invitae), Labcorp); PubMed 16414944 (cited by 3 submitters); PubMed 32893267 (cited by All of Us Research Program, National Institutes of Health and Color Diagnostics, LLC DBA Color Health).

NM_000238.4(KCNH2):c.2775del (p.Pro926fs)

Gene: KCNH2 (potassium voltage-gated channel subfamily H member 2; minus strand). Cytogenetic location: 7q36.1.
Variant type: Deletion.
Coding change: c.2775del on transcript NM_000238.4 (MANE Select); coding-DNA position 2775, one base deleted (G; older notation c.2775delG).
Protein change: p.Pro926fs; shifts the reading frame from proline 926.
Molecular consequence: frameshift variant.
Genome position (GRCh38, 1-based): chr7:150,947,796, C deleted on the plus strand (G on the coding strand, the reverse complement: KCNH2 is on the minus strand); the first of 7 consecutive C bases (chr7:150,947,796-150,947,802); deleting any one gives the same sequence. VCF-style (leftmost placement, unchanged base first): chr7-150947795-GC-G. GRCh37 (hg19) VCF-style: chr7-150644883-GC-G.
Other names: c.1755del, p.Pro586fs (NM_172057.3); c.2775delG (NM_000238.3); c.2775del (NM_000238.2); short protein forms P586fs, P926fs.
Identifiers: ClinVar variation 1074305 (VCV001074305.9), dbSNP rs794728455, ClinGen allele CA579075209.